The following is an entry in ClinVar:

NC_000007.13:g.(117292986_117304741)_(117305619_117306961)del

Gene: CFTR (CF transmembrane conductance regulator; plus strand). Cytogenetic location: 7q31.2.
Variant type: Deletion.
Identifiers: ClinVar variation 2573425 (VCV002573425.1).

ClinVar aggregate classification (germline): Pathogenic (1 of 4 stars; one submission).

Conditions:
Cystic fibrosis (CF). Also called: MUCOVISCIDOSIS. Identifiers: Orphanet 586, MedGen C0010674, MONDO:0009061, OMIM 219700. Disease mechanism: loss of function.

Submission:

Women's Health and Genetics/Laboratory Corporation of America, LabCorp
Classification: Pathogenic for Cystic fibrosis. Last evaluated: 2023-06-23. Review status: criteria provided, single submitter. Criteria: LabCorp Variant Classification Summary - May 2015. Collection method: clinical testing. Allele origin: germline.
Comment: Variant summary: The variant identified by MLPA or other technology involves the deletion of exons 25-26 in the CFTR gene. A presumed nomenclature of c.(3963+1_3964-1)_(4242+1_4243-1)del has been designated for the purposes of this classification. Although exact breakpoints of this deletion are not known, it is expected to result in a large in-frame deletion change in the CFTR gene, a known mechanism of disease. The variant was absent in 21692 control chromosomes (gnomAD). c.(3963+1_3964-1)_(4242+1_4243-1)del (also known by a legacy numbering as exon 22-23 deletion) has been reported in the literature in multiple individuals affected with Cystic Fibrosis (Hantash_2006, Martins_2019, Raraigh_2022, Saillour_2008), including those reported as compound heterozygous with other pathogenic variants. These data indicate that the variant is very likely to be associated with disease. The following publications have been ascertained in the context of this evaluation (PMID: 16362824, 34782259, 31199594, 18683213). Four submitters have cited clinical-significance assessments for this variant to ClinVar after 2014, and classified the variant as pathogenic. Based on the evidence outlined above, the variant was classified as pathogenic.

Literature cited by the submitters: PubMed 16362824; PubMed 18683213; PubMed 34782259; PubMed 31199594.